The following is an entry in ClinVar:

ClinVar aggregate classification (germline): Likely benign (1 of 4 stars; one submission).

Submission:

Women's Health and Genetics/Laboratory Corporation of America, LabCorp
Classification: Likely benign. Last evaluated: 2024-11-15. Review status: criteria provided, single submitter. Criteria: LabCorp Variant Classification Summary - May 2015. Collection method: clinical testing. Allele origin: germline.
Comment: Variant summary: CFTR c.4242+163dupC is located at a position not widely known to affect splicing. Consensus agreement among computation tools predict no significant impact on normal splicing. However, these predictions have yet to be confirmed by functional studies. The variant allele was found at a frequency of 9.6e-05 in 31404 control chromosomes. The available data on variant occurrences in the general population are insufficient to allow any conclusion about variant significance. To our knowledge, no occurrence of c.4242+163dupC in individuals affected with Chronic Pancreatitis Risk and no experimental evidence demonstrating its impact on protein function have been reported. No submitters have cited clinical-significance assessments for this variant to ClinVar. Based on the evidence outlined above, the variant was classified as likely benign.

NM_000492.4(CFTR):c.4242+163dup

Genes: CFTR (CF transmembrane conductance regulator; plus strand), LOC111674477 (CFTR intron 23 enhancer; plus strand). Cytogenetic location: 7q31.2.
Variant type: Duplication.
Coding change: c.4242+163dup on transcript NM_000492.4 (MANE Select); 163 bases into the intron after coding-DNA position 4242, one base duplicated (C; older notation c.4242+163dupC).
Molecular consequence: intron variant.
Genome position (GRCh38, 1-based): chr7:117,665,727, C duplicated. VCF-style (leftmost placement, unchanged base first): chr7-117665726-T-TC. GRCh37 (hg19) VCF-style: chr7-117305780-T-TC.
Other names: c.4242+163dupC (NM_000492.4).
Identifiers: ClinVar variation 3629613 (VCV003629613.1).